The following is an entry in ClinVar:

NM_182643.3(DLC1):c.500C>T (p.Ala167Val)

Gene: DLC1 (DLC1 Rho GTPase activating protein; minus strand). Cytogenetic location: 8p22.
Variant type: single nucleotide variant.
Coding change: c.500C>T on transcript NM_182643.3 (MANE Select); coding-DNA position 500, C replaced by T.
Protein change: p.Ala167Val; replaces alanine 167 with valine.
Molecular consequence: missense variant. On other transcripts: 5 prime UTR variant (1).
Genome position (GRCh38, 1-based): chr8:13,499,572, G>A on the plus strand (C>T on the coding strand, the complement: DLC1 is on the minus strand). VCF-style: chr8-13499572-G-A. GRCh37 (hg19) VCF-style: chr8-13357081-G-A.
Other names: c.500C>T, p.Ala167Val (NM_001348081.2, NM_001413124.1, NM_001413125.1 and 1 more transcripts); c.-952C>T (NM_001348082.2); short protein forms A167V.
Identifiers: ClinVar variation 2707495 (VCV002707495.3), dbSNP rs2486209936, ClinGen allele CA370381750.
Genomic context (GRCh38, chr8:13,499,572, plus strand): 5'-ATAGAGTCAGTAACTTTTCTCTCCCCACTTTCTTTTACCAGTGCTAATTCAGTTTCACCA[G>A]CTATTCCCCAGGAGTTAGAAGAAACTTGGTTACTTTGTATGATGGGCAGTGCCTTTTCTA-3'
Protein context (NP_872584.2, residues 157-177): NQVSSNSWGI[Ala167Val]GETELALVKE

ClinVar aggregate classification (germline): Uncertain significance (1 of 4 stars; one submission).

Submission:

Labcorp Genetics (formerly Invitae), Labcorp
Classification: Uncertain significance. Last evaluated: 2024-01-04. Review status: criteria provided, single submitter. Criteria: Invitae Variant Classification Sherloc (09022015). Collection method: clinical testing. Allele origin: germline.
Comment: This sequence change replaces alanine, which is neutral and non-polar, with valine, which is neutral and non-polar, at codon 167 of the DLC1 protein (p.Ala167Val). This variant is not present in population databases (gnomAD no frequency). This variant has not been reported in the literature in individuals affected with DLC1-related conditions. Algorithms developed to predict the effect of missense changes on protein structure and function output the following: SIFT: "Not Available"; PolyPhen-2: "Benign"; Align-GVGD: "Not Available". The valine amino acid residue is found in multiple mammalian species, which suggests that this missense change does not adversely affect protein function. In summary, the available evidence is currently insufficient to determine the role of this variant in disease. Therefore, it has been classified as a Variant of Uncertain Significance.